The following is an entry in ClinVar:

NM_031935.3(HMCN1):c.11276+7A>G

Gene: HMCN1 (hemicentin 1; plus strand). Cytogenetic location: 1q31.1.
Variant type: single nucleotide variant.
Coding change: c.11276+7A>G on transcript NM_031935.3 (MANE Select); 7 bases into the intron after coding-DNA position 11276, A replaced by G.
Molecular consequence: intron variant.
Genome position (GRCh38, 1-based): chr1:186,114,130, A>G. VCF-style: chr1-186114130-A-G. GRCh37 (hg19) VCF-style: chr1-186083262-A-G.
Other names: c.11276+7A>G (NM_031935.2).
Identifiers: ClinVar variation 1570013 (VCV001570013.11), dbSNP rs372107481, ClinGen allele CA1293980.

ClinVar aggregate classification (germline): Likely benign. Review status: criteria provided, multiple submitters, no conflicts (2 of 4 stars). 3 submissions from 3 submitters: Likely benign (2). 1 of the submissions does not count toward it. Last evaluated 2025-10-17.

Conditions:
HMCN1-related disorder. Also called: HMCN1-related condition.

Allele frequency attached by ClinVar (database versions not stated): ESP Exome Variant Server 0.00008.
gnomAD v4.1: 100 of 1,614,036 alleles (0.0062%); highest among the groups gnomAD compares: Middle Eastern, 0.099%; no homozygotes.

Submissions (3):

Labcorp Genetics (formerly Invitae), Labcorp
Classification: Likely benign. Last evaluated: 2025-10-17. Review status: criteria provided, single submitter. Criteria: Invitae Variant Classification Sherloc (09022015). Collection method: clinical testing. Allele origin: germline.

Blueprint Genetics
Classification: Likely benign. Last evaluated: 2024-09-23. Review status: criteria provided, single submitter. Criteria: ACMG Guidelines, 2015. Collection method: clinical testing. Allele origin: germline.

PreventionGenetics, part of Exact Sciences
Classification: Likely benign for HMCN1-related condition. Last evaluated: 2019-05-22. Review status: no assertion criteria provided. Collection method: clinical testing. Allele origin: germline. Not counted in ClinVar's aggregate classification.
Comment: This variant is classified as likely benign based on ACMG/AMP sequence variant interpretation guidelines (Richards et al. 2015 PMID: 25741868, with internal and published modifications).